The following is an entry in ClinVar:

NM_031407.7(HUWE1):c.2138C>T (p.Ala713Val)

Gene: HUWE1 (HECT, UBA and WWE domain containing E3 ubiquitin protein ligase 1; minus strand). Cytogenetic location: Xp11.22.
Variant type: single nucleotide variant.
Coding change: c.2138C>T on transcript NM_031407.7 (MANE Select); coding-DNA position 2138, C replaced by T.
Protein change: p.Ala713Val; replaces alanine 713 with valine.
Molecular consequence: missense variant.
Genome position (GRCh38, 1-based): chrX:53,614,657, G>A on the plus strand (C>T on the coding strand, the complement: HUWE1 is on the minus strand). VCF-style: chrX-53614657-G-A. GRCh37 (hg19) VCF-style: chrX-53641618-G-A.
Other names: short protein forms A713V.
Identifiers: ClinVar variation 1722255 (VCV001722255.5), dbSNP rs2527366092, ClinGen allele CA413145200.
Genomic context (GRCh38, chrX:53,614,657, plus strand): 5'-TCTTCCTCCTCATCCTCACTAGAGGCTTCTTCTGCGGCATGATTAGACCTTGGGGGAGGA[G>A]CAGTGGCAGTGCCATCTGCCTTCTGGATTGATGGCTTCTGACAGATGTATTTGGGGTCCC-3'
Protein context (NP_113584.3, residues 703-723): SIQKADGTAT[Ala713Val]PPPRSNHAAE

ClinVar aggregate classification (germline): Uncertain significance (1 of 4 stars; one submission).

Submission:

Labcorp Genetics (formerly Invitae), Labcorp
Classification: Uncertain significance. Last evaluated: 2023-11-13. Review status: criteria provided, single submitter. Criteria: Invitae Variant Classification Sherloc (09022015). Collection method: clinical testing. Allele origin: germline.
Comment: This sequence change replaces alanine, which is neutral and non-polar, with valine, which is neutral and non-polar, at codon 713 of the HUWE1 protein (p.Ala713Val). This variant is not present in population databases (gnomAD no frequency). This variant has not been reported in the literature in individuals affected with HUWE1-related conditions. ClinVar contains an entry for this variant (Variation ID: 1722255). Advanced modeling of protein sequence and biophysical properties (such as structural, functional, and spatial information, amino acid conservation, physicochemical variation, residue mobility, and thermodynamic stability) has been performed at Invitae for this missense variant, however the output from this modeling did not meet the statistical confidence thresholds required to predict the impact of this variant on HUWE1 protein function. In summary, the available evidence is currently insufficient to determine the role of this variant in disease. Therefore, it has been classified as a Variant of Uncertain Significance.